The following is an entry in ClinVar:

ClinVar aggregate classification (germline): Uncertain significance (1 of 4 stars; one submission).

gnomAD v4.1: 38 of 1,582,486 alleles (0.0024%); highest among the groups gnomAD compares: Admixed American, 0.0035%; no homozygotes.

Submission:

Labcorp Genetics (formerly Invitae), Labcorp
Classification: Uncertain significance. Last evaluated: 2022-12-18. Review status: criteria provided, single submitter. Criteria: Invitae Variant Classification Sherloc (09022015). Collection method: clinical testing. Allele origin: germline.
Comment: This variant has not been reported in the literature in individuals affected with NIN-related conditions. In summary, the available evidence is currently insufficient to determine the role of this variant in disease. Therefore, it has been classified as a Variant of Uncertain Significance. Algorithms developed to predict the effect of missense changes on protein structure and function are either unavailable or do not agree on the potential impact of this missense change (SIFT: "Deleterious"; PolyPhen-2: "Benign"; Align-GVGD: "Class C0"). This variant is present in population databases (rs757074308, gnomAD 0.07%), and has an allele count higher than expected for a pathogenic variant. This sequence change replaces serine, which is neutral and polar, with asparagine, which is neutral and polar, at codon 1538 of the NIN protein (p.Ser1538Asn).

NM_020921.4(NIN):c.4613G>A (p.Ser1538Asn)

Gene: NIN (ninein; minus strand). Cytogenetic location: 14q22.1.
Variant type: single nucleotide variant.
Coding change: c.4613G>A on transcript NM_020921.4 (MANE Select); coding-DNA position 4613, G replaced by A.
Protein change: p.Ser1538Asn; replaces serine 1538 with asparagine.
Molecular consequence: missense variant.
Genome position (GRCh38, 1-based): chr14:50,754,793, C>T on the plus strand (G>A on the coding strand, the complement: NIN is on the minus strand). VCF-style: chr14-50754793-C-T. GRCh37 (hg19) VCF-style: chr14-51221511-C-T.
Other names: c.2474G>A, p.Ser825Asn (NM_016350.5); c.4613G>A, p.Ser1538Asn (NM_182944.3, NM_182946.2); short protein forms S825N, S1538N.
Identifiers: ClinVar variation 2725096 (VCV002725096.3), dbSNP rs757074308, ClinGen allele CA7181557.
Genomic context (GRCh38, chr14:50,754,793, plus strand): 5'-ACGTCTTACCACATTTCTTCCTGAGATCCATTTAATGTCCCTAATTTCAGGTTAGAAATG[C>T]TATCTTCTTCATTTAAAGTAGTAATTTCATTTCTCAAAATAGAATTTTCCTGTTGAAGCT-3'
Protein context (NP_065972.4, residues 1528-1548): NEITTLNEED[Ser1538Asn]ISNLKLGTLN